The following is an entry in ClinVar:

ClinVar aggregate classification (germline): Uncertain significance (1 of 4 stars; one submission).

Conditions:
Congenital muscular dystrophy due to integrin alpha-7 deficiency. Also called: MYOPATHY, CONGENITAL, DUE TO INTEGRIN ALPHA-7 DEFICIENCY; Congenital muscular dystrophy with integrin alpha-7 deficiency; Muscular dystrophy, congenital, due to ITGA7 deficiency. Identifiers: Orphanet 34520, MedGen C2750786, MONDO:0013177, OMIM 613204.

Submission:

Labcorp Genetics (formerly Invitae), Labcorp
Classification: Uncertain significance for Congenital muscular dystrophy due to integrin alpha-7 deficiency. Last evaluated: 2022-11-08. Review status: criteria provided, single submitter. Criteria: Invitae Variant Classification Sherloc (09022015). Collection method: clinical testing. Allele origin: germline.
Comment: In summary, the available evidence is currently insufficient to determine the role of this variant in disease. Therefore, it has been classified as a Variant of Uncertain Significance. Advanced modeling of protein sequence and biophysical properties (such as structural, functional, and spatial information, amino acid conservation, physicochemical variation, residue mobility, and thermodynamic stability) performed at Invitae indicates that this missense variant is not expected to disrupt ITGA7 protein function. ClinVar contains an entry for this variant (Variation ID: 1365479). This variant has not been reported in the literature in individuals affected with ITGA7-related conditions. This variant is not present in population databases (gnomAD no frequency). This sequence change replaces leucine, which is neutral and non-polar, with methionine, which is neutral and non-polar, at codon 1057 of the ITGA7 protein (p.Leu1057Met).

NM_002206.3(ITGA7):c.3169C>A (p.Leu1057Met)

Gene: ITGA7 (integrin subunit alpha 7; minus strand). Cytogenetic location: 12q13.2.
Variant type: single nucleotide variant.
Coding change: c.3169C>A on transcript NM_002206.3 (MANE Select); coding-DNA position 3169, C replaced by A.
Protein change: p.Leu1057Met; replaces leucine 1057 with methionine.
Molecular consequence: missense variant.
Genome position (GRCh38, 1-based): chr12:55,687,985, G>T on the plus strand (C>A on the coding strand, the complement: ITGA7 is on the minus strand). VCF-style: chr12-55687985-G-T. GRCh37 (hg19) VCF-style: chr12-56081769-G-T.
Other names: c.3181C>A, p.Leu1061Met (NM_001144996.2); c.2890C>A, p.Leu964Met (NM_001144997.2); c.2842C>A, p.Leu948Met (NM_001367993.1); c.1825C>A, p.Leu609Met (NM_001367994.1); c.3151C>A, p.Leu1051Met (NM_001374465.1); c.3301C>A, p.Leu1101Met (NM_001410977.1); c.3163C>A, p.Leu1055Met (NM_001414029.1); c.3094C>A, p.Leu1032Met (NM_001414030.1); and 5 more; short protein forms L1061M, L1051M, L1057M, L609M, L964M, L948M, L1101M, L1017M.
Identifiers: ClinVar variation 1365479 (VCV001365479.8), dbSNP rs2135953491, ClinGen allele CA385180472.